The following is an entry in ClinVar:

NM_000505.4(F12):c.1435T>C (p.Ser479Pro)

Gene: F12 (coagulation factor XII; minus strand). Cytogenetic location: 5q35.3.
Variant type: single nucleotide variant.
Coding change: c.1435T>C on transcript NM_000505.4 (MANE Select); coding-DNA position 1435, T replaced by C.
Protein change: p.Ser479Pro; replaces serine 479 with proline.
Molecular consequence: missense variant.
Genome position (GRCh38, 1-based): chr5:177,403,350, A>G on the plus strand (T>C on the coding strand, the complement: F12 is on the minus strand). VCF-style: chr5-177403350-A-G. GRCh37 (hg19) VCF-style: chr5-176830351-A-G.
Other names: short protein forms S479P.
Identifiers: ClinVar variation 3370136 (VCV003370136.2).

ClinVar aggregate classification (germline): Uncertain significance. Review status: criteria provided, multiple submitters, no conflicts (2 of 4 stars). 2 submissions from 2 submitters: Uncertain significance (2). Last evaluated 2025-05-15.

Conditions:
Inborn genetic diseases. Identifiers: MedGen C0950123, MeSH D030342.

Submissions (2):

Ambry Genetics
Classification: Uncertain significance for Inborn genetic diseases. Last evaluated: 2025-05-15. Review status: criteria provided, single submitter. Criteria: Ambry Variant Classification Scheme 2023. Collection method: clinical testing. Allele origin: germline.

GeneDx
Classification: Uncertain significance. Last evaluated: 2023-12-20. Review status: criteria provided, single submitter. Criteria: GeneDx Variant Classification Process June 2021. Collection method: clinical testing. Allele origin: germline. Affected: yes.
Comment: Not observed at significant frequency in large population cohorts (gnomAD); In silico analysis supports that this missense variant has a deleterious effect on protein structure/function; Has not been previously published as pathogenic or benign to our knowledge